The following is an entry in ClinVar:

ClinVar aggregate classification (germline): Conflicting classifications of pathogenicity. Review status: criteria provided, conflicting classifications (1 of 4 stars). 2 submissions from 2 submitters: Uncertain significance (1); Likely benign (1). Last evaluated 2023-07-11.

Conditions:
Inborn genetic diseases. Identifiers: MedGen C0950123, MeSH D030342.

Allele frequency attached by ClinVar (database versions not stated): gnomAD 0.00001; gnomAD exomes 0.00001; ExAC 0.00002.

Submissions (2):

Ambry Genetics
Classification: Likely benign for Inborn genetic diseases. Last evaluated: 2023-07-11. Review status: criteria provided, single submitter. Criteria: Ambry Variant Classification Scheme 2023. Collection method: clinical testing. Allele origin: germline.

Labcorp Genetics (formerly Invitae), Labcorp
Classification: Uncertain significance. Last evaluated: 2022-03-13. Review status: criteria provided, single submitter. Criteria: Invitae Variant Classification Sherloc (09022015). Collection method: clinical testing. Allele origin: germline.
Comment: In summary, the available evidence is currently insufficient to determine the role of this variant in disease. Therefore, it has been classified as a Variant of Uncertain Significance. Algorithms developed to predict the effect of missense changes on protein structure and function output the following: SIFT: "Tolerated"; PolyPhen-2: "Benign"; Align-GVGD: "Class C0". The serine amino acid residue is found in multiple mammalian species, which suggests that this missense change does not adversely affect protein function. This variant has not been reported in the literature in individuals affected with TCF20-related conditions. This sequence change replaces asparagine, which is neutral and polar, with serine, which is neutral and polar, at codon 276 of the TCF20 protein (p.Asn276Ser). This variant is present in population databases (rs758391601, gnomAD 0.003%).

NM_001378418.1(TCF20):c.827A>G (p.Asn276Ser)

Gene: TCF20 (transcription factor 20; minus strand). Cytogenetic location: 22q13.2.
Variant type: single nucleotide variant.
Coding change: c.827A>G on transcript NM_001378418.1 (MANE Select); coding-DNA position 827, A replaced by G.
Protein change: p.Asn276Ser; replaces asparagine 276 with serine.
Molecular consequence: missense variant.
Genome position (GRCh38, 1-based): chr22:42,214,479, T>C on the plus strand (A>G on the coding strand, the complement: TCF20 is on the minus strand). VCF-style: chr22-42214479-T-C. GRCh37 (hg19) VCF-style: chr22-42610485-T-C.
Other names: c.827A>G (NM_005650.1); c.827A>G, p.Asn276Ser (NM_005650.4, NM_181492.3); short protein forms N276S.
Identifiers: ClinVar variation 1963788 (VCV001963788.7), dbSNP rs758391601, ClinGen allele CA10267292.